The following is an entry in ClinVar:

ClinVar aggregate classification (germline): Likely benign. Review status: criteria provided, multiple submitters, no conflicts (2 of 4 stars). 2 submissions from 2 submitters: Likely benign (2). Last evaluated 2025-08-27.

Allele frequency attached by ClinVar (database versions not stated): gnomAD exomes 0.00003 and 0.00004; gnomAD 0.00006 and 0.00008; ExAC 0.00008; TOPMed 0.00006.
gnomAD v4.1: 62 of 1,602,552 alleles (0.0039%); highest among the groups gnomAD compares: African/African-American, 0.019%; no homozygotes.

Submissions (2):

Labcorp Genetics (formerly Invitae), Labcorp
Classification: Likely benign. Last evaluated: 2025-08-27. Review status: criteria provided, single submitter. Criteria: Invitae Variant Classification Sherloc (09022015). Collection method: clinical testing. Allele origin: germline.

Laboratory for Molecular Medicine, Mass General Brigham Personalized Medicine
Classification: Likely benign. Last evaluated: 2018-07-03. Review status: criteria provided, single submitter. Criteria: LMM Criteria. Collection method: clinical testing. Allele origin: germline. Observed: 1 variant allele.
Comment: The p.Ala1392Ala variant in LTBP4 is classified as likely benign because it does not alter an amino acid residue, it is not located within the splice consensus sequence, and splice prediction algorithms do not predict a newly created splice site. It has also been identified in 0.03% (8/23884) of Finnish chromosomes by the Genome Aggregation Database (gnomAD). ACMG /AMP Criteria applied: BP4, BP7.

NM_001042545.2(LTBP4):c.3975G>A (p.Ala1325=)

Gene: LTBP4 (latent transforming growth factor beta binding protein 4; plus strand). Cytogenetic location: 19q13.2.
Variant type: single nucleotide variant.
Coding change: c.3975G>A on transcript NM_001042545.2 (MANE Select); coding-DNA position 3975, G replaced by A.
Protein change: p.Ala1325=; no amino-acid change (alanine 1325 retained).
Molecular consequence: synonymous variant.
Genome position (GRCh38, 1-based): chr19:40,625,999, G>A. VCF-style: chr19-40625999-G-A. GRCh37 (hg19) VCF-style: chr19-41131904-G-A.
Other names: c.4176G>A, p.Ala1392= (NM_001042544.1); c.4065G>A, p.Ala1355= (NM_003573.2).
Identifiers: ClinVar variation 666711 (VCV000666711.7), dbSNP rs375560922, ClinGen allele CA9449184.
Genomic context (GRCh38, chr19:40,625,999, plus strand): 5'-CACAGAGTGCTGCTGCCTGTATGGAGAGGCCTGGGGCATGGACTGCGCCCTCTGCCCTGC[G>A]CAGGACTCAGGTGCTGGCACTGGCCTAGGCTGAACTCAGAGGCCTTGCCCCATGGGCTCC-3'
Protein context (NP_001036010.1, residues 1315-1335): AWGMDCALCP[Ala1325=]QDSDDFEALC